The following is an entry in ClinVar:

ClinVar aggregate classification (germline): Pathogenic (1 of 4 stars; one submission).

Conditions:
Mandibulofacial dysostosis-microcephaly syndrome (MFDGA). Also called: Mandibulofacial dysostosis, Guion-Almeida type; Growth and mental retardation, mandibulofacial dysostosis, microcephaly, and cleft palate. Identifiers: Orphanet 79113, MedGen C1864652, MONDO:0012516, OMIM 610536.

Submission:

New York Genome Center
Classification: Pathogenic for Mandibulofacial dysostosis-microcephaly syndrome. Last evaluated: 2023-11-03. Review status: criteria provided, single submitter. Criteria: NYGC Assertion Criteria 2020. Collection method: clinical testing. Allele origin: de novo. Affected: yes. Observed: 1 variant allele, 1 heterozygote.
Comment: The c.273del variant in EFTUD2 has not previously been reported in the literature or public variant repositories (ClinVar and LOVD) and is absent from populationdatabases (gnomAD v2.1.1, v3.1.2, and v4.0; TOPMed Freeze 8 and Freeze 10; All of Us), suggesting it is not a common benign variant in the populations representedin those databases. The c.273del variant in EFTUD2 is located in exon 4 of this 28-exon gene, predicted to cause a shift in the open reading frame and incorporate a premature termination codon (p.(Glu91AspfsTer7)), and is expected to result in loss-of-function via nonsense mediated decay. Other loss-of-function variants located upstream of the c.273del variant have been reported in individuals with MFDM [PMID: 24470203, 26507355, 28643921, 34693919]. Based on available evidence, this apparently de novo heterozygous c.273del, p.(Glu91AspfsTer7) variant identified in EFTUD2 is classified as Pathogenic.

NM_004247.4(EFTUD2):c.273del (p.Glu91fs)

Gene: EFTUD2 (elongation factor Tu GTP binding domain containing 2; minus strand). Cytogenetic location: 17q21.31.
Variant type: Deletion.
Coding change: c.273del on transcript NM_004247.4 (MANE Select); coding-DNA position 273, one base deleted (A; older notation c.273delA).
Protein change: p.Glu91fs; shifts the reading frame from glutamic acid 91.
Molecular consequence: frameshift variant.
Genome position (GRCh38, 1-based): chr17:44,885,333, T deleted on the plus strand (A on the coding strand, the reverse complement: EFTUD2 is on the minus strand); the first of 2 consecutive T bases (chr17:44,885,333-44,885,334); deleting either gives the same sequence. VCF-style (leftmost placement, unchanged base first): chr17-44885332-GT-G. GRCh37 (hg19) VCF-style: chr17-42962700-GT-G.
Other names: c.168del, p.Glu56fs (NM_001142605.2); c.273del, p.Glu91fs (NM_001258353.2, NM_001258354.2); short protein forms E56fs, E91fs.
Identifiers: ClinVar variation 4888364 (VCV004888364.1).